The following is an entry in ClinVar:

NM_002224.4(ITPR3):c.5667+5G>C

Gene: ITPR3 (inositol 1,4,5-trisphosphate receptor type 3; plus strand). Cytogenetic location: 6p21.31.
Variant type: single nucleotide variant.
Coding change: c.5667+5G>C on transcript NM_002224.4 (MANE Select); 5 bases into the intron after coding-DNA position 5667, G replaced by C.
Molecular consequence: intron variant.
Genome position (GRCh38, 1-based): chr6:33,685,832, G>C. VCF-style: chr6-33685832-G-C. GRCh37 (hg19) VCF-style: chr6-33653609-G-C.
Identifiers: ClinVar variation 4982704 (VCV004982704.1).
Genomic context (GRCh38, chr6:33,685,832, plus strand): 5'-AGCCCATCCTGCGCTTTCTGCAGCTGCTGTGTGAGAACCACAACCGGGACCTGCAGGTGA[G>C]TGCCTCGCCACACACCTGCCCCTTCCCCCGCTGGCCAGCCGGCATGCAGACTAGGCAGTG-3'

ClinVar aggregate classification (germline): Likely benign (1 of 4 stars; one submission).

Conditions:
ITPR3-related disorder. Also called: ITPR3-related condition.

gnomAD v4.1: 85 of 1,559,704 alleles (0.0054%); highest among the groups gnomAD compares: Middle Eastern, 0.051%; no homozygotes.

Submission:

PreventionGenetics, part of Exact Sciences
Classification: Likely benign for ITPR3-related condition. Last evaluated: 2025-11-25. Review status: criteria provided, single submitter. Criteria: ACMG Guidelines, 2015. Collection method: clinical testing. Allele origin: germline.
Comment: This variant is classified as likely benign based on ACMG/AMP sequence variant interpretation guidelines (Richards et al. 2015 PMID: 25741868, with internal and published modifications).